The following is an entry in ClinVar:

NM_002528.7(NTHL1):c.111A>G (p.Ala37=)

Gene: NTHL1 (nth like DNA glycosylase 1; minus strand). Cytogenetic location: 16p13.3.
Variant type: single nucleotide variant.
Coding change: c.111A>G on transcript NM_002528.7 (MANE Select); coding-DNA position 111, A replaced by G.
Protein change: p.Ala37=; no amino-acid change (alanine 37 retained).
Molecular consequence: synonymous variant. On other transcripts: 5 prime UTR variant (1).
Genome position (GRCh38, 1-based): chr16:2,047,713, T>C on the plus strand (A>G on the coding strand, the complement: NTHL1 is on the minus strand). VCF-style: chr16-2047713-T-C. GRCh37 (hg19) VCF-style: chr16-2097714-T-C.
Other names: c.111A>G, p.Ala37= (NM_001318193.2); c.-68A>G (NM_001318194.2).
Identifiers: ClinVar variation 762235 (VCV000762235.17), dbSNP rs779229970, ClinGen allele CA027480.

ClinVar aggregate classification (germline): Conflicting classifications of pathogenicity. Review status: criteria provided, conflicting classifications (1 of 4 stars). 5 submissions from 5 submitters: Uncertain significance (2); Likely benign (3). Last evaluated 2026-01-06.

Conditions:
Hereditary cancer-predisposing syndrome. Also called: Tumor predisposition; Neoplastic Syndromes, Hereditary; Hereditary Cancer Syndrome; Hereditary neoplastic syndrome. Identifiers: Orphanet 140162, MedGen C0027672, MeSH D009386, MONDO:0015356.

Allele frequency attached by ClinVar (database versions not stated): gnomAD exomes 0.00001; ExAC 0.00003; gnomAD 0.00003 and 0.00004; TOPMed 0.00004.

Submissions (5):

Labcorp Genetics (formerly Invitae), Labcorp
Classification: Likely benign. Last evaluated: 2026-01-06. Review status: criteria provided, single submitter. Criteria: Invitae Variant Classification Sherloc (09022015). Collection method: clinical testing. Allele origin: germline.

Center for Genomic Medicine, Rigshospitalet, Copenhagen University Hospital
Classification: Likely benign. Last evaluated: 2025-12-29. Review status: criteria provided, single submitter. Criteria: ACMG Guidelines, 2015. Collection method: clinical testing. Allele origin: germline.

Quest Diagnostics Nichols Institute San Juan Capistrano
Classification: Uncertain significance. Last evaluated: 2023-07-18. Review status: criteria provided, single submitter. Criteria: Quest Diagnostics criteria. Collection method: clinical testing. Allele origin: unknown.
Comment: To the best of our knowledge, this variant has not been reported in the published literature. The frequency of this variant in the general population, 0.00001 (2/193078 chromosomes (Genome Aggregation Database)), is uninformative in the assessment of its pathogenicity. Analysis of this variant using software algorithms for the prediction of the effect of nucleotide changes on splicing yielded predictions that this variant does not affect NTHL1 mRNA splicing . Based on the available information, we are unable to determine the clinical significance of this variant.

GeneDx
Classification: Uncertain significance. Last evaluated: 2020-11-20. Review status: criteria provided, single submitter. Criteria: GeneDx Variant Classification Process June 2021. Collection method: clinical testing. Allele origin: germline. Affected: yes.
Comment: In silico analysis, which includes splice predictors and evolutionary conservation, suggests this variant may impact gene splicing. In the absence of RNA/functional studies, the actual effect of this sequence change is unknown.; Has not been previously published as pathogenic or benign to our knowledge

Ambry Genetics
Classification: Likely benign for Hereditary cancer-predisposing syndrome. Last evaluated: 2020-09-01. Review status: criteria provided, single submitter. Criteria: Ambry Variant Classification Scheme 2023. Collection method: clinical testing. Allele origin: germline.